The following is an entry in ClinVar:

NM_013275.6(ANKRD11):c.5722C>T (p.Pro1908Ser)

Gene: ANKRD11 (ankyrin repeat domain 11; minus strand). Cytogenetic location: 16q24.3.
Variant type: single nucleotide variant.
Coding change: c.5722C>T on transcript NM_013275.6 (MANE Select); coding-DNA position 5722, C replaced by T.
Protein change: p.Pro1908Ser; replaces proline 1908 with serine.
Molecular consequence: missense variant.
Genome position (GRCh38, 1-based): chr16:89,280,820, G>A on the plus strand (C>T on the coding strand, the complement: ANKRD11 is on the minus strand). VCF-style: chr16-89280820-G-A. GRCh37 (hg19) VCF-style: chr16-89347228-G-A.
Other names: c.5722C>T, p.Pro1908Ser (NM_001256182.2, NM_001256183.2); short protein forms P1908S.
Identifiers: ClinVar variation 4736767 (VCV004736767.1).

ClinVar aggregate classification (germline): Uncertain significance (1 of 4 stars; one submission).

Conditions:
KBG syndrome (KBGS). Also called: ANKRD11-Related KBG Syndrome. Identifiers: Orphanet 2332, MedGen C0220687, MONDO:0007846, OMIM 148050.

gnomAD v4.1: 4 of 1,602,850 alleles (0.00025%); highest among the groups gnomAD compares: African/African-American, 0.0013%; no homozygotes.

Submission:

Labcorp Genetics (formerly Invitae), Labcorp
Classification: Uncertain significance for KBG syndrome. Last evaluated: 2025-03-01. Review status: criteria provided, single submitter. Criteria: Invitae Variant Classification Sherloc (09022015). Collection method: clinical testing. Allele origin: germline.
Comment: This sequence change replaces proline, which is neutral and non-polar, with serine, which is neutral and polar, at codon 1908 of the ANKRD11 protein (p.Pro1908Ser). This variant is present in population databases (rs781644006, gnomAD 0.007%). This variant has not been reported in the literature in individuals affected with ANKRD11-related conditions. Invitae Evidence Modeling of protein sequence and biophysical properties (such as structural, functional, and spatial information, amino acid conservation, physicochemical variation, residue mobility, and thermodynamic stability) indicates that this missense variant is not expected to disrupt ANKRD11 protein function with a negative predictive value of 95%. In summary, the available evidence is currently insufficient to determine the role of this variant in disease. Therefore, it has been classified as a Variant of Uncertain Significance.